The following is an entry in ClinVar:

NM_001006630.2(CHRM2):c.1372C>T (p.His458Tyr)

Genes: CHRM2 (cholinergic receptor muscarinic 2; plus strand), LOC349160 (uncharacterized LOC349160; minus strand). Cytogenetic location: 7q33.
Variant type: single nucleotide variant.
Coding change: c.1372C>T on transcript NM_001006630.2 (MANE Select); coding-DNA position 1372, C replaced by T.
Protein change: p.His458Tyr; replaces histidine 458 with tyrosine.
Molecular consequence: missense variant.
Genome position (GRCh38, 1-based): chr7:137,016,237, C>T. VCF-style: chr7-137016237-C-T. GRCh37 (hg19) VCF-style: chr7-136700984-C-T.
Other names: c.1372C>T, p.His458Tyr (NM_000739.3, NM_001006626.3, NM_001006627.3 and 6 more transcripts); short protein forms H458Y.
Identifiers: ClinVar variation 2840735 (VCV002840735.3), dbSNP rs2536213291, ClinGen allele CA369488579.

ClinVar aggregate classification (germline): Uncertain significance (1 of 4 stars; one submission).

Submission:

Labcorp Genetics (formerly Invitae), Labcorp
Classification: Uncertain significance. Last evaluated: 2023-05-08. Review status: criteria provided, single submitter. Criteria: Invitae Variant Classification Sherloc (09022015). Collection method: clinical testing. Allele origin: germline.
Comment: This sequence change replaces histidine, which is basic and polar, with tyrosine, which is neutral and polar, at codon 458 of the CHRM2 protein (p.His458Tyr). This variant is not present in population databases (gnomAD no frequency). This variant has not been reported in the literature in individuals affected with CHRM2-related conditions. An algorithm developed to predict the effect of missense changes on protein structure and function (PolyPhen-2) suggests that this variant is likely to be tolerated. In summary, the available evidence is currently insufficient to determine the role of this variant in disease. Therefore, it has been classified as a Variant of Uncertain Significance.